The following is an entry in ClinVar:

NM_005045.4(RELN):c.6185G>A (p.Ser2062Asn)

Gene: RELN (reelin; minus strand). Cytogenetic location: 7q22.1.
Variant type: single nucleotide variant.
Coding change: c.6185G>A on transcript NM_005045.4 (MANE Select); coding-DNA position 6185, G replaced by A.
Protein change: p.Ser2062Asn; replaces serine 2062 with asparagine.
Molecular consequence: missense variant.
Genome position (GRCh38, 1-based): chr7:103,551,184, C>T on the plus strand (G>A on the coding strand, the complement: RELN is on the minus strand). VCF-style: chr7-103551184-C-T. GRCh37 (hg19) VCF-style: chr7-103191631-C-T.
Other names: c.6185G>A, p.Ser2062Asn (NM_173054.3); short protein forms S2062N.
Identifiers: ClinVar variation 2952248 (VCV002952248.3), dbSNP rs2484717476, ClinGen allele CA368738172.
Genomic context (GRCh38, chr7:103,551,184, plus strand): 5'-CCTGCGTAGTAGGTGCTGCTGGGGTGGTGCTCGGTGGAGCATAAAGAGCTGACGTGGCTG[C>T]TGCTGTGGTAGCAGAGGGGCAGCAGAAGGTGCCAGGTCGCCCCGAAGTCCCTTGAAAATT-3'
Protein context (NP_005036.2, residues 2052-2072): HLLLPLCYHS[Ser2062Asn]SHVSSLCSTE

ClinVar aggregate classification (germline): Uncertain significance (1 of 4 stars; one submission).

Conditions:
Norman-Roberts syndrome (LIS2). Also called: Lissencephaly 2 (Norman-Roberts type). Identifiers: Orphanet 89844, MedGen C0796089, MONDO:0009760, OMIM 257320.
Familial temporal lobe epilepsy 7. Identifiers: Orphanet 101046, MedGen C4225327, MONDO:0014639, OMIM 616436.

Submission:

Labcorp Genetics (formerly Invitae), Labcorp
Classification: Uncertain significance for Familial temporal lobe epilepsy 7; Norman-Roberts syndrome. Last evaluated: 2023-09-25. Review status: criteria provided, single submitter. Criteria: Invitae Variant Classification Sherloc (09022015). Collection method: clinical testing. Allele origin: germline.
Comment: This sequence change replaces serine, which is neutral and polar, with asparagine, which is neutral and polar, at codon 2062 of the RELN protein (p.Ser2062Asn). This variant is not present in population databases (gnomAD no frequency). This variant has not been reported in the literature in individuals affected with RELN-related conditions. Advanced modeling of protein sequence and biophysical properties (such as structural, functional, and spatial information, amino acid conservation, physicochemical variation, residue mobility, and thermodynamic stability) performed at Invitae indicates that this missense variant is not expected to disrupt RELN protein function. In summary, the available evidence is currently insufficient to determine the role of this variant in disease. Therefore, it has been classified as a Variant of Uncertain Significance.